The following is an entry in ClinVar:

ClinVar aggregate classification (germline): Pathogenic. Review status: criteria provided, multiple submitters, no conflicts (2 of 4 stars). 2 submissions from 2 submitters: Pathogenic (2). Last evaluated 2026-01-27.

Conditions:
Hereditary cancer-predisposing syndrome. Also called: Neoplastic Syndromes, Hereditary; Tumor predisposition; Hereditary Cancer Syndrome; Hereditary neoplastic syndrome. Identifiers: Orphanet 140162, MedGen C0027672, MeSH D009386, MONDO:0015356.
Hereditary breast ovarian cancer syndrome. Also called: Hereditary breast and ovarian cancer syndrome; Hereditary breast and ovarian cancer; Hereditary breast and ovarian cancer syndrome (HBOC); Breast and ovarian cancer; Hereditary breast and/or ovarian cancer syndrome; BRCA1- and BRCA2-Associated Hereditary Breast and Ovarian Cancer. Identifiers: Orphanet 145, MedGen C0677776, MeSH D061325, MONDO:0003582. Disease mechanism: loss of function.

Submissions (2):

Labcorp Genetics (formerly Invitae), Labcorp
Classification: Pathogenic for Hereditary breast ovarian cancer syndrome. Last evaluated: 2026-01-27. Review status: criteria provided, single submitter. Criteria: Invitae Variant Classification Sherloc (09022015). Collection method: clinical testing. Allele origin: germline.
Comment: This sequence change creates a premature translational stop signal (p.Ser1610Phefs*12) in the BRCA1 gene. It is expected to result in an absent or disrupted protein product. Loss-of-function variants in BRCA1 are known to be pathogenic (PMID: 20104584). This variant is not present in population databases (gnomAD no frequency). This variant has not been reported in the literature in individuals affected with BRCA1-related conditions. ClinVar contains an entry for this variant (Variation ID: 485380). For these reasons, this variant has been classified as Pathogenic.

Ambry Genetics
Classification: Pathogenic for Hereditary cancer-predisposing syndrome. Last evaluated: 2023-09-05. Review status: criteria provided, single submitter. Criteria: Ambry Variant Classification Scheme 2023. Collection method: clinical testing. Allele origin: germline.
Comment: The c.4828dupT pathogenic mutation, located in coding exon 14 of the BRCA1 gene, results from a duplication of T at nucleotide position 4828, causing a translational frameshift with a predicted alternate stop codon (p.S1610Ffs*12). This variant is considered to be rare based on population cohorts in the Genome Aggregation Database (gnomAD). This alteration is expected to result in loss of function by premature protein truncation or nonsense-mediated mRNA decay. As such, this alteration is interpreted as a disease-causing mutation.

Literature cited by the submitters: PubMed 20104584 (cited by Labcorp Genetics (formerly Invitae), Labcorp).

NM_007294.4(BRCA1):c.4828dup (p.Ser1610fs)

Gene: BRCA1 (BRCA1 DNA repair associated; minus strand). Cytogenetic location: 17q21.31.
Variant type: Duplication.
Coding change: c.4828dup on transcript NM_007294.4 (MANE Select); coding-DNA position 4828, one base duplicated (T; older notation c.4828dupT).
Protein change: p.Ser1610fs; shifts the reading frame from serine 1610.
Molecular consequence: frameshift variant. On other transcripts: non-coding transcript variant (1).
Genome position (GRCh38, 1-based): chr17:43,071,086, A duplicated on the plus strand (T on the coding strand, the reverse complement: BRCA1 is on the minus strand). VCF-style (leftmost placement, unchanged base first): chr17-43071085-G-GA. GRCh37 (hg19) VCF-style: chr17-41223102-G-GA.
Other names: c.4828dupT (NM_007294.3); c.4615dup, p.Ser1539Phefs (NM_001407571.1, NM_001407894.1, NM_001407895.1 and 12 more transcripts); c.4894dup, p.Ser1632Phefs (NM_001407581.1, NM_001407582.1); c.4891dup, p.Ser1631Phefs (NM_001407583.1, NM_001407585.1, NM_001407587.1); c.4888dup, p.Ser1630Phefs (NM_001407590.1, NM_001407591.1); c.4828dup, p.Ser1610Phefs (NM_001407593.1, NM_001407594.1, NM_001407596.1 and 8 more transcripts); c.4825dup, p.Ser1609Phefs (NM_001407610.1, NM_001407611.1, NM_001407612.1 and 17 more transcripts); c.4822dup, p.Ser1608Phefs (NM_001407627.1, NM_001407628.1, NM_001407629.1 and 14 more transcripts); and 74 more; short protein forms S1631fs, S1610fs, S1563fs, S506fs.
Identifiers: ClinVar variation 485380 (VCV000485380.15), dbSNP rs1555580854, ClinGen allele CA658656620.